The following is an entry in ClinVar:

NM_005633.4(SOS1):c.3350A>G (p.Asn1117Ser)

Gene: SOS1 (SOS Ras/Rac guanine nucleotide exchange factor 1; minus strand). Cytogenetic location: 2p22.1.
Variant type: single nucleotide variant.
Coding change: c.3350A>G on transcript NM_005633.4 (MANE Select); coding-DNA position 3350, A replaced by G.
Protein change: p.Asn1117Ser; replaces asparagine 1117 with serine.
Molecular consequence: missense variant. On other transcripts: intron variant (1).
Genome position (GRCh38, 1-based): chr2:38,989,311, T>C on the plus strand (A>G on the coding strand, the complement: SOS1 is on the minus strand). VCF-style: chr2-38989311-T-C. GRCh37 (hg19) VCF-style: chr2-39216452-T-C.
Other names: c.3329A>G, p.Asn1110Ser (NM_001382394.1); c.3347-1720A>G (NM_001382395.1); short protein forms N1117S, N1110S.
Identifiers: ClinVar variation 280899 (VCV000280899.9), dbSNP rs754314057, ClinGen allele CA1624205.

ClinVar aggregate classification (germline): Conflicting classifications of pathogenicity. Review status: criteria provided, conflicting classifications (1 of 4 stars). 4 submissions from 4 submitters: Uncertain significance (1); Benign (1); Likely benign (2). Last evaluated 2026-01-14.

Conditions:
Noonan syndrome 4 (NS4). Also called: SOS1-Related Noonan Syndrome; NOONAN SYNDROME WITH PIGMENTED VILLONODULAR SYNOVITIS. Identifiers: Orphanet 648, MedGen C1853120, MONDO:0012547, OMIM 610733.
Cardiovascular phenotype. Identifiers: MedGen CN230736.
RASopathy. Also called: Noonan spectrum disorder; rasopathies. Identifiers: Orphanet 536391, MedGen C5555857, MONDO:0021060.

Allele frequency attached by ClinVar (database versions not stated): ExAC 0.00001; gnomAD exomes 0.00002 and 0.00003; gnomAD 0.00004; TOPMed 0.00004.
gnomAD v4.1: 44 of 1,604,594 alleles (0.0027%); highest among the groups gnomAD compares: African/African-American, 0.004%; no homozygotes.

Submissions (4):

Labcorp Genetics (formerly Invitae), Labcorp
Classification: Benign for RASopathy. Last evaluated: 2026-01-14. Review status: criteria provided, single submitter. Criteria: Invitae Variant Classification Sherloc (09022015). Collection method: clinical testing. Allele origin: germline.

St. Jude Molecular Pathology, St. Jude Children's Research Hospital
Classification: Uncertain significance for Noonan syndrome 4. Last evaluated: 2024-08-23. Review status: criteria provided, single submitter. Criteria: St. Jude Assertion Criteria 2020. Collection method: clinical testing. Allele origin: germline.
Comment: The SOS1 c.3350A>G (p.Asn1117Ser) missense change has a maximum subpopulation frequency of 0.008% in gnomAD v2.1.1. This variant occurs in a gene where missense variants are more likely to be damaging based on methods described by Lek et al. (PMID: 27535533). The in silico tool REVEL predicts a benign effect on protein function, but to our knowledge this prediction has not been confirmed by functional studies. To our knowledge, this variant has not been reported in individuals with Noonan syndrome. In summary, the evidence currently available is insufficient to determine the clinical significance of this variant. It has therefore been classified as of uncertain significance.

Ambry Genetics
Classification: Likely benign for Cardiovascular phenotype. Last evaluated: 2022-03-03. Review status: criteria provided, single submitter. Criteria: Ambry Variant Classification Scheme 2023. Collection method: clinical testing. Allele origin: germline.

GeneDx
Classification: Likely benign. Last evaluated: 2016-12-07. Review status: criteria provided, single submitter. Criteria: GeneDx Variant Classification (06012015). Collection method: clinical testing. Allele origin: germline. Affected: yes.
Comment: This variant is considered likely benign or benign based on one or more of the following criteria: it is a conservative change, it occurs at a poorly conserved position in the protein, it is predicted to be benign by multiple in silico algorithms, and/or has population frequency not consistent with disease.